The following is an entry in ClinVar:

ClinVar aggregate classification (germline): Likely benign (0 of 4 stars; one submission).

Conditions:
INPP5E-related disorder. Also called: INPP5E-related condition.

Submission:

PreventionGenetics, part of Exact Sciences
Classification: Likely benign for INPP5E-related condition. Last evaluated: 2024-09-28. Review status: no assertion criteria provided. Collection method: clinical testing. Allele origin: germline.
Comment: This variant is classified as likely benign based on ACMG/AMP sequence variant interpretation guidelines (Richards et al. 2015 PMID: 25741868, with internal and published modifications).

NM_019892.6(INPP5E):c.1548A>G (p.Lys516=)

Gene: INPP5E (inositol polyphosphate-5-phosphatase E; minus strand). Cytogenetic location: 9q34.3.
Variant type: single nucleotide variant.
Coding change: c.1548A>G on transcript NM_019892.6 (MANE Select); coding-DNA position 1548, A replaced by G.
Protein change: p.Lys516=; no amino-acid change (lysine 516 retained).
Molecular consequence: synonymous variant.
Genome position (GRCh38, 1-based): chr9:136,431,825, T>C on the plus strand (A>G on the coding strand, the complement: INPP5E is on the minus strand). VCF-style: chr9-136431825-T-C. GRCh37 (hg19) VCF-style: chr9-139326277-T-C.
Other names: c.1545A>G, p.Lys515= (NM_001318502.2).
Identifiers: ClinVar variation 3345594 (VCV003345594.1).